The following is an entry in ClinVar:

NM_032409.3(PINK1):c.565G>A (p.Gly189Arg)

Gene: PINK1 (PTEN induced kinase 1; plus strand). Cytogenetic location: 1p36.12.
Variant type: single nucleotide variant.
Coding change: c.565G>A on transcript NM_032409.3 (MANE Select); coding-DNA position 565, G replaced by A.
Protein change: p.Gly189Arg; replaces glycine 189 with arginine.
Molecular consequence: missense variant.
Genome position (GRCh38, 1-based): chr1:20,638,019, G>A. VCF-style: chr1-20638019-G-A. GRCh37 (hg19) VCF-style: chr1-20964512-G-A.
Other names: short protein forms G189R.
Identifiers: ClinVar variation 493026 (VCV000493026.54), dbSNP rs757581951, ClinGen allele CA660457.

ClinVar aggregate classification (germline): Uncertain significance. Review status: criteria provided, multiple submitters, no conflicts (2 of 4 stars). 6 submissions from 6 submitters: Uncertain significance (6). Last evaluated 2024-10-14.

Conditions:
Autosomal recessive early-onset Parkinson disease 6 (PARK6). Also called: PARKINSON DISEASE 6, EARLY-ONSET; PINK1-Related Parkinson Disease; PINK1 Type of Young-Onset Parkinson Disease; PARKINSON DISEASE 6, MODIFIER OF. Identifiers: Orphanet 2828, MedGen C1853833, MONDO:0011613, OMIM 605909.

Allele frequency attached by ClinVar (database versions not stated): gnomAD exomes 0.00005; TOPMed 0.00005; ExAC 0.00007; gnomAD 0.00007.
gnomAD v4.1: 88 of 1,614,068 alleles (0.0055%); highest among the groups gnomAD compares: Middle Eastern, 0.15%; 1 homozygote.

Submissions (6):

Labcorp Genetics (formerly Invitae), Labcorp
Classification: Uncertain significance for Autosomal recessive early-onset Parkinson disease 6. Last evaluated: 2024-10-14. Review status: criteria provided, single submitter. Criteria: Invitae Variant Classification Sherloc (09022015). Collection method: clinical testing. Allele origin: germline.
Comment: This sequence change replaces glycine, which is neutral and non-polar, with arginine, which is basic and polar, at codon 189 of the PINK1 protein (p.Gly189Arg). This variant is present in population databases (rs757581951, gnomAD 0.01%). This missense change has been observed in individual(s) with Parkinson disease (PMID: 26274610). ClinVar contains an entry for this variant (Variation ID: 493026). Invitae Evidence Modeling of protein sequence and biophysical properties (such as structural, functional, and spatial information, amino acid conservation, physicochemical variation, residue mobility, and thermodynamic stability) indicates that this missense variant is not expected to disrupt PINK1 protein function with a negative predictive value of 95%. In summary, the available evidence is currently insufficient to determine the role of this variant in disease. Therefore, it has been classified as a Variant of Uncertain Significance.

Baylor Genetics
Classification: Uncertain significance for Autosomal recessive early-onset Parkinson disease 6. Last evaluated: 2020-06-15. Review status: criteria provided, single submitter. Criteria: ACMG Guidelines, 2015. Collection method: clinical testing. Allele origin: unknown. Affected: yes.
Comment: This variant was determined to be of uncertain significance according to ACMG Guidelines, 2015 [PMID:25741868].

Fulgent Genetics
Classification: Uncertain significance for Autosomal recessive early-onset Parkinson disease 6. Last evaluated: 2018-10-31. Review status: criteria provided, single submitter. Criteria: ACMG Guidelines, 2015. Collection method: clinical testing. Allele origin: unknown.

CeGaT Center for Human Genetics Tuebingen
Classification: Uncertain significance. Last evaluated: 2018-05-01. Review status: criteria provided, single submitter. Criteria: CeGaT Center For Human Genetics Tuebingen Variant Classification Criteria Version 2. Collection method: clinical testing. Allele origin: germline. Affected: yes. Observed: 2 variant alleles.

Illumina Laboratory Services, Illumina
Classification: Uncertain significance for Autosomal recessive early-onset Parkinson disease 6. Last evaluated: 2017-04-27. Review status: criteria provided, single submitter. Criteria: ICSL Variant Classification Criteria 13 December 2019. Collection method: clinical testing. Allele origin: germline.

Breakthrough Genomics
Classification: Uncertain significance. Review status: criteria provided, single submitter. Criteria: ACMG Guidelines, 2015. Collection method: not provided. Allele origin: germline. Inheritance: Autosomal recessive inheritance. Affected: yes.

Literature cited by the submitters: PubMed 26274610 (cited by Labcorp Genetics (formerly Invitae), Labcorp).